The following is an entry in ClinVar:

NM_001367873.1(SOX6):c.873C>A (p.Phe291Leu)

Genes: SOX6 (SRY-box transcription factor 6; minus strand), LOC128772343 (melanoma risk locus-associated MPRA allelic enhancer 11:16133413; plus strand). Cytogenetic location: 11p15.2.
Variant type: single nucleotide variant.
Coding change: c.873C>A on transcript NM_001367873.1 (MANE Select); coding-DNA position 873, C replaced by A.
Protein change: p.Phe291Leu; replaces phenylalanine 291 with leucine.
Molecular consequence: missense variant.
Genome position (GRCh38, 1-based): chr11:16,111,828, G>T on the plus strand (C>A on the coding strand, the complement: SOX6 is on the minus strand). VCF-style: chr11-16111828-G-T. GRCh37 (hg19) VCF-style: chr11-16133374-G-T.
Other names: c.873C>A, p.Phe291Leu (NM_001145819.2, NM_001367872.1, NM_017508.3 and 2 more transcripts); short protein forms F291L.
Identifiers: ClinVar variation 3020704 (VCV003020704.3), dbSNP rs1001381288, ClinGen allele CA218343180.

ClinVar aggregate classification (germline): Uncertain significance (1 of 4 stars; one submission).

Allele frequency attached by ClinVar (database versions not stated): gnomAD exomes 0.00002; gnomAD 0.00003.
gnomAD v4.1: 39 of 1,612,986 alleles (0.0024%); highest among the groups gnomAD compares: Non-Finnish European, 0.0031%; no homozygotes.

Submission:

Labcorp Genetics (formerly Invitae), Labcorp
Classification: Uncertain significance. Last evaluated: 2023-10-14. Review status: criteria provided, single submitter. Criteria: Invitae Variant Classification Sherloc (09022015). Collection method: clinical testing. Allele origin: germline.
Comment: This sequence change replaces phenylalanine, which is neutral and non-polar, with leucine, which is neutral and non-polar, at codon 291 of the SOX6 protein (p.Phe291Leu). This variant is present in population databases (no rsID available, gnomAD 0.004%). This variant has not been reported in the literature in individuals affected with SOX6-related conditions. An algorithm developed to predict the effect of missense changes on protein structure and function (PolyPhen-2) suggests that this variant is likely to be disruptive. In summary, the available evidence is currently insufficient to determine the role of this variant in disease. Therefore, it has been classified as a Variant of Uncertain Significance.